The following is an entry in ClinVar:

NM_002834.5(PTPN11):c.934-12C>T

Gene: PTPN11 (protein tyrosine phosphatase non-receptor type 11; plus strand). Cytogenetic location: 12q24.13.
Variant type: single nucleotide variant.
Coding change: c.934-12C>T on transcript NM_002834.5 (MANE Select); 12 bases into the intron before coding-DNA position 934, C replaced by T.
Molecular consequence: intron variant.
Genome position (GRCh38, 1-based): chr12:112,477,845, C>T. VCF-style: chr12-112477845-C-T. GRCh37 (hg19) VCF-style: chr12-112915649-C-T.
Other names: c.934-12C>T (NM_001330437.2, NM_080601.3); c.931-12C>T (NM_001374625.1).
Identifiers: ClinVar variation 181492 (VCV000181492.2), dbSNP rs730880990, ClinGen allele CA297068.

ClinVar aggregate classification (germline): Benign/Likely benign. Review status: criteria provided, multiple submitters, no conflicts (2 of 4 stars). 2 submissions from 2 submitters: Benign (1); Likely benign (1). Last evaluated 2026-06-16.

Allele frequency attached by ClinVar (database versions not stated): ExAC 0.00002; gnomAD exomes 0.00001 and 0.00002.
gnomAD v4.1: 7 of 1,613,988 alleles (0.00043%); highest among the groups gnomAD compares: East Asian, 0.0067%; no homozygotes.

Submissions (2):

Women's Health and Genetics/Laboratory Corporation of America, LabCorp
Classification: Likely benign. Last evaluated: 2026-06-16. Review status: criteria provided, single submitter. Criteria: LabCorp Variant Classification Summary - May 2015. Collection method: clinical testing. Allele origin: germline.

GeneDx
Classification: Benign. Last evaluated: 2014-07-09. Review status: criteria provided, single submitter. Criteria: GeneDx Variant Classification (06012015). Collection method: clinical testing. Allele origin: germline. Affected: yes.
Comment: This variant is considered likely benign or benign based on one or more of the following criteria: it is a conservative change, it occurs at a poorly conserved position in the protein, it is predicted to be benign by multiple in silico algorithms, and/or has population frequency not consistent with disease.